The following is an entry in ClinVar:

NM_030665.4(RAI1):c.149A>G (p.Tyr50Cys)

Gene: RAI1 (retinoic acid induced 1; plus strand). Cytogenetic location: 17p11.2.
Variant type: single nucleotide variant.
Coding change: c.149A>G on transcript NM_030665.4 (MANE Select); coding-DNA position 149, A replaced by G.
Protein change: p.Tyr50Cys; replaces tyrosine 50 with cysteine.
Molecular consequence: missense variant.
Genome position (GRCh38, 1-based): chr17:17,793,097, A>G. VCF-style: chr17-17793097-A-G. GRCh37 (hg19) VCF-style: chr17-17696411-A-G.
Other names: c.149A>G (NM_030665.3); short protein forms Y50C.
Identifiers: ClinVar variation 1487227 (VCV001487227.8), dbSNP rs1382756452, ClinGen allele CA398544853.

ClinVar aggregate classification (germline): Conflicting classifications of pathogenicity. Review status: criteria provided, conflicting classifications (1 of 4 stars). 3 submissions from 3 submitters: Uncertain significance (2); Benign (1). Last evaluated 2025-10-06.

Conditions:
Inborn genetic diseases. Identifiers: MedGen C0950123, MeSH D030342.
RAI1-related disorder. Also called: RAI1-related condition.

Allele frequency attached by ClinVar (database versions not stated): gnomAD exomes below 0.00001 and 0.00001; gnomAD 0.00001; TOPMed 0.00001.
gnomAD v4.1: 11 of 1,613,982 alleles (0.00068%); highest among the groups gnomAD compares: African/African-American, 0.0013%; no homozygotes.

Submissions (3):

PreventionGenetics, part of Exact Sciences
Classification: Uncertain significance for RAI1-related condition. Last evaluated: 2025-10-06. Review status: criteria provided, single submitter. Criteria: ACMG Guidelines, 2015. Collection method: clinical testing. Allele origin: germline.
Comment: The RAI1 c.149A>G variant is predicted to result in the amino acid substitution p.Tyr50Cys. To our knowledge, this variant has not been reported in the literature. This variant is reported in 0.00088% of alleles in individuals of European (Non-Finnish) descent in gnomAD. Although we suspect that this variant may be benign, at this time, the clinical significance of this variant is uncertain due to the absence of conclusive functional and genetic evidence.

Labcorp Genetics (formerly Invitae), Labcorp
Classification: Benign. Last evaluated: 2025-06-17. Review status: criteria provided, single submitter. Criteria: Invitae Variant Classification Sherloc (09022015). Collection method: clinical testing. Allele origin: germline.

Ambry Genetics
Classification: Uncertain significance for Inborn genetic diseases. Last evaluated: 2023-01-23. Review status: criteria provided, single submitter. Criteria: Ambry Variant Classification Scheme 2023. Collection method: clinical testing. Allele origin: germline.